The following is an entry in ClinVar:

ClinVar aggregate classification (germline): Uncertain significance (1 of 4 stars; one submission).

Submission:

Labcorp Genetics (formerly Invitae), Labcorp
Classification: Uncertain significance. Last evaluated: 2020-07-15. Review status: criteria provided, single submitter. Criteria: Invitae Variant Classification Sherloc (09022015). Collection method: clinical testing. Allele origin: germline.
Comment: In summary, the available evidence is currently insufficient to determine the role of this variant in disease. Therefore, it has been classified as a Variant of Uncertain Significance. Algorithms developed to predict the effect of missense changes on protein structure and function are either unavailable or do not agree on the potential impact of this missense change (SIFT: "Deleterious"; PolyPhen-2: "Possibly Damaging"; Align-GVGD: "Class C0"). This variant has not been reported in the literature in individuals with SNRNP200-related conditions. This variant is not present in population databases (ExAC no frequency). This sequence change replaces glutamine with proline at codon 1038 of the SNRNP200 protein (p.Gln1038Pro). The glutamine residue is highly conserved and there is a moderate physicochemical difference between glutamine and proline.

NM_014014.5(SNRNP200):c.3113A>C (p.Gln1038Pro)

Gene: SNRNP200 (small nuclear ribonucleoprotein U5 subunit 200; minus strand). Cytogenetic location: 2q11.2.
Variant type: single nucleotide variant.
Coding change: c.3113A>C on transcript NM_014014.5 (MANE Select); coding-DNA position 3113, A replaced by C.
Protein change: p.Gln1038Pro; replaces glutamine 1038 with proline.
Molecular consequence: missense variant.
Genome position (GRCh38, 1-based): chr2:96,289,098, T>G on the plus strand (A>C on the coding strand, the complement: SNRNP200 is on the minus strand). VCF-style: chr2-96289098-T-G. GRCh37 (hg19) VCF-style: chr2-96954836-T-G.
Other names: short protein forms Q1038P.
Identifiers: ClinVar variation 1011165 (VCV001011165.8), dbSNP rs2063867762, ClinGen allele CA347673934.